The following is an entry in ClinVar:

ClinVar aggregate classification (germline): Likely pathogenic (1 of 4 stars; one submission).

Conditions:
Neurodevelopmental disorder with or without hyperkinetic movements and seizures, autosomal dominant. Also called: Intellectual disability, autosomal dominant 8. Identifiers: MedGen C3280282, MONDO:0013655, OMIM 614254.

Submission:

3billion
Classification: Likely pathogenic for Neurodevelopmental disorder with or without hyperkinetic movements and seizures, autosomal dominant. Last evaluated: 2025-09-19. Review status: criteria provided, single submitter. Criteria: ACMG Guidelines, 2015. Collection method: clinical testing. Allele origin: germline. Affected: yes.
Comment: The variant is not observed in the gnomAD v4.1.0 dataset. Predicted Consequence/Location: The variant is located in a mutational hot spot and/or well-established functional domain in which established pathogenic variants have been reported (PMID: 33252190). Missense variant. Missense changes are a common disease-causing mechanism. In silico tool predictions suggest damaging effect of the variant on gene or gene product [3Cnet: 0.99 (> 0.75, sensitivity 0.96 and precision 0.92)]. Different missense changes at the same codon have been reported as of uncertain significance (ClinVar ID: VCV001715915). Therefore, this variant is classified as Likely pathogenic according to the recommendation of ACMG/AMP guideline.

NM_007327.4(GRIN1):c.1966G>A (p.Val656Met)

Gene: GRIN1 (glutamate ionotropic receptor NMDA type subunit 1; plus strand). Cytogenetic location: 9q34.3.
Variant type: single nucleotide variant.
Coding change: c.1966G>A on transcript NM_007327.4 (MANE Select); coding-DNA position 1966, G replaced by A.
Protein change: p.Val656Met; replaces valine 656 with methionine.
Molecular consequence: missense variant.
Genome position (GRCh38, 1-based): chr9:137,162,692, G>A. VCF-style: chr9-137162692-G-A. GRCh37 (hg19) VCF-style: chr9-140057144-G-A.
Other names: c.1966G>A, p.Val656Met (NM_000832.7, NM_021569.4); c.2029G>A, p.Val677Met (NM_001185090.2, NM_001185091.2, NM_001437330.1 and 1 more transcripts); short protein forms V656M, V677M.
Identifiers: ClinVar variation 4855954 (VCV004855954.1).
Genomic context (GRCh38, chr9:137,162,692, plus strand): 5'-TGGGCCGGCTTTGCCATGATCATCGTGGCCTCCTACACCGCCAACCTGGCGGCCTTCCTG[G>A]TGCTGGACCGGCCGGAGGAGCGCATCACGGGCATCAACGACCCTCGGGTGAGGCCTGGCC-3'
Protein context (NP_015566.1, residues 646-666): SYTANLAAFL[Val656Met]LDRPEERITG